The following is an entry in ClinVar:

NM_130839.5(UBE3A):c.915A>G (p.Leu305=)

Genes: SNHG14 (small nucleolar RNA host gene 14; plus strand), UBE3A (ubiquitin protein ligase E3A; minus strand). Cytogenetic location: 15q11.2.
Variant type: single nucleotide variant.
Coding change: c.915A>G on transcript NM_130839.5 (MANE Select); coding-DNA position 915, A replaced by G.
Protein change: p.Leu305=; no amino-acid change (leucine 305 retained).
Molecular consequence: synonymous variant. On other transcripts: non-coding transcript variant (1), intron variant (2).
Genome position (GRCh38, 1-based): chr15:25,371,259, T>C on the plus strand (A>G on the coding strand, the complement: UBE3A is on the minus strand). VCF-style: chr15-25371259-T-C. GRCh37 (hg19) VCF-style: chr15-25616406-T-C.
Other names: c.924A>G, p.Leu308= (NM_000462.5); c.915A>G, p.Leu305= (NM_001354505.1, NM_001354538.2, NM_001354545.2); c.855A>G, p.Leu285= (NM_001354506.2, NM_001354507.2, NM_001354508.2 and 17 more transcripts); c.738A>G, p.Leu246= (NM_001354546.2); c.301+4206A>G (NM_001354551.2); c.361+4206A>G (NM_001354550.2).
Identifiers: ClinVar variation 156142 (VCV000156142.5), dbSNP rs587782923, ClinGen allele CA333446.

ClinVar aggregate classification (germline): Likely benign. Review status: criteria provided, single submitter (1 of 4 stars). 2 submissions from 2 submitters: Likely benign (1). 1 of the submissions does not count toward it. Last evaluated 2026-03-01.

Conditions:
Angelman syndrome (AS). Also called: HAPPY PUPPET SYNDROME. Identifiers: Orphanet 72, MedGen C0162635, MONDO:0007113, OMIM 105830. Disease mechanism: loss of function. Inheritance: AS is caused by disruption of maternally imprinted UBE3A located within the 15q11.2-q13 Angelman syndrome/Prader-Willi syndrome (AS/PWS) region., imprinting disorder.

Allele frequency attached by ClinVar (database versions not stated): gnomAD exomes below 0.00001; ExAC 0.00001.
gnomAD v4.1: 2 of 1,614,164 alleles (0.00012%); highest among the groups gnomAD compares: Non-Finnish European, 0.00017%; no homozygotes.

Submissions (2):

CeGaT Center for Human Genetics Tuebingen
Classification: Likely benign. Last evaluated: 2026-03-01. Review status: criteria provided, single submitter. Criteria: CeGaT Center For Human Genetics Tuebingen Variant Classification Criteria Version 2. Collection method: clinical testing. Allele origin: germline. Affected: yes. Observed: 1 variant allele.
Comment: UBE3A: BP4, BP7

Baylor Genetics
Classification: Uncertain significance for Angelman syndrome. Last evaluated: 2014-02-14. Review status: no assertion criteria provided. Collection method: clinical testing. Allele origin: paternal. Affected: yes. Observed: 1 variant allele. Study: UBE3A Mutation Study. Not counted in ClinVar's aggregate classification.
Comment: possible diagnosis of Angelman syndrome

Data collected from clinical UBE3A sequence analysis results

Literature cited by the submitters: PubMed 25212744 (cited by Baylor Genetics).